The following is an entry in ClinVar:

NM_001267550.2(TTN):c.69811G>T (p.Glu23271Ter)

Genes: TTN (titin; minus strand), TTN-AS1 (TTN antisense RNA 1; plus strand), LOC126806422 (BRD4-independent group 4 enhancer GRCh37_chr2:179440205-179441404; plus strand). Cytogenetic location: 2q31.2.
Variant type: single nucleotide variant.
Coding change: c.69811G>T on transcript NM_001267550.2 (MANE Select); coding-DNA position 69811, G replaced by T.
Protein change: p.Glu23271Ter; replaces glutamic acid 23271 with a stop codon.
Molecular consequence: nonsense.
Genome position (GRCh38, 1-based): chr2:178,576,321, C>A on the plus strand (G>T on the coding strand, the complement: TTN is on the minus strand). VCF-style: chr2-178576321-C-A. GRCh37 (hg19) VCF-style: chr2-179441048-C-A.
Other names: c.64888G>T, p.Glu21630Ter (NM_001256850.1); c.42616G>T, p.Glu14206Ter (NM_003319.4); c.62107G>T, p.Glu20703Ter (NM_133378.4); c.42991G>T, p.Glu14331Ter (NM_133432.3); c.43192G>T, p.Glu14398Ter (NM_133437.4); short protein forms E14331*, E14398*, E23271*, E20703*, E21630*, E14206*.
Identifiers: ClinVar variation 1495604 (VCV001495604.8), dbSNP rs1213132001, ClinGen allele CA349666359.

ClinVar aggregate classification (germline): Likely pathogenic (1 of 4 stars; one submission).

Conditions:
Dilated cardiomyopathy 1G (CMD1G). Identifiers: Orphanet 154, MedGen C1858763, MONDO:0011400, OMIM 604145.
Autosomal recessive limb-girdle muscular dystrophy type 2J (LGMDR10). Also called: Limb-girdle muscular dystrophy, type 2J; MUSCULAR DYSTROPHY, LIMB-GIRDLE, AUTOSOMAL RECESSIVE 10. Identifiers: Orphanet 140922, MedGen C1837342, MONDO:0012127, OMIM 608807.

Allele frequency attached by ClinVar (database versions not stated): gnomAD exomes below 0.00001.
gnomAD v4.1: 1 of 1,570,928 alleles (0.000064%); highest among the groups gnomAD compares: Admixed American, 0.0019%; no homozygotes.

Submission:

Labcorp Genetics (formerly Invitae), Labcorp
Classification: Likely pathogenic for Dilated cardiomyopathy 1G; Autosomal recessive limb-girdle muscular dystrophy type 2J. Last evaluated: 2024-09-03. Review status: criteria provided, single submitter. Criteria: Invitae Variant Classification Sherloc (09022015). Collection method: clinical testing. Allele origin: germline.
Comment: This sequence change creates a premature translational stop signal (p.Glu23271*) in the TTN gene. While this is not anticipated to result in nonsense mediated decay, it is expected to create a truncated TTN protein. The frequency data for this variant in the population databases is considered unreliable, as metrics indicate poor data quality at this position in the gnomAD database. This premature translational stop signal has been observed in individual(s) with dilated cardiomyopathy (internal data). ClinVar contains an entry for this variant (Variation ID: 1495604). This variant is located in the A band of TTN (PMID: 25589632). Truncating variants in this region are significantly overrepresented in patients affected with dilated cardiomyopathy (PMID: 25589632). Truncating variants in this region have also been reported in individuals affected with autosomal recessive centronuclear myopathy (PMID: 23975875). In summary, the currently available evidence indicates that the variant is pathogenic, but additional data are needed to prove that conclusively. Therefore, this variant has been classified as Likely Pathogenic.

Literature cited by the submitters: PubMed 25589632; PubMed 23975875.